The following is an entry in ClinVar:

ClinVar aggregate classification (germline): Uncertain significance (1 of 4 stars; one submission).

Conditions:
Cardiovascular phenotype. Identifiers: MedGen CN230736.

gnomAD v4.1: 2 of 999,270 alleles (0.0002%); highest among the groups gnomAD compares: Non-Finnish European, 0.00024%; no homozygotes.

Submission:

Ambry Genetics
Classification: Uncertain significance for Cardiovascular phenotype. Last evaluated: 2024-05-12. Review status: criteria provided, single submitter. Criteria: Ambry Variant Classification Scheme 2023. Collection method: clinical testing. Allele origin: germline.
Comment: The p.F27L variant (also known as c.79T>C), located in coding exon 2 of the TBX1 gene, results from a T to C substitution at nucleotide position 79. The phenylalanine at codon 27 is replaced by leucine, an amino acid with highly similar properties. This amino acid position is conserved. In addition, this alteration is predicted to be tolerated by in silico analysis. Based on the available evidence, the clinical significance of this variant remains unclear.

NM_001379200.1(TBX1):c.106T>C (p.Phe36Leu)

Gene: TBX1 (T-box transcription factor 1; plus strand). Cytogenetic location: 22q11.21.
Variant type: single nucleotide variant.
Coding change: c.106T>C on transcript NM_001379200.1 (MANE Select); coding-DNA position 106, T replaced by C.
Protein change: p.Phe36Leu; replaces phenylalanine 36 with leucine.
Molecular consequence: missense variant.
Genome position (GRCh38, 1-based): chr22:19,760,949, T>C. VCF-style: chr22-19760949-T-C. GRCh37 (hg19) VCF-style: chr22-19748472-T-C.
Other names: c.79T>C, p.Phe27Leu (NM_005992.1, NM_080646.2, NM_080647.1); short protein forms F27L, F36L.
Identifiers: ClinVar variation 3324835 (VCV003324835.1).